The following is an entry in ClinVar:

ClinVar aggregate classification (germline): Uncertain significance (1 of 4 stars; one submission).

Allele frequency attached by ClinVar (database versions not stated): TOPMed below 0.00001; ExAC 0.00003; gnomAD exomes 0.00003; gnomAD 0.00005.
gnomAD v4.1: 56 of 1,612,444 alleles (0.0035%); highest among the groups gnomAD compares: Admixed American, 0.0067%; no homozygotes.

Submission:

Labcorp Genetics (formerly Invitae), Labcorp
Classification: Uncertain significance. Last evaluated: 2022-09-16. Review status: criteria provided, single submitter. Criteria: Invitae Variant Classification Sherloc (09022015). Collection method: clinical testing. Allele origin: germline.
Comment: Advanced modeling of protein sequence and biophysical properties (such as structural, functional, and spatial information, amino acid conservation, physicochemical variation, residue mobility, and thermodynamic stability) performed at Invitae indicates that this missense variant is not expected to disrupt DNA2 protein function. This variant has not been reported in the literature in individuals affected with DNA2-related conditions. This variant is present in population databases (rs778664121, gnomAD 0.09%). This sequence change replaces arginine, which is basic and polar, with cysteine, which is neutral and slightly polar, at codon 798 of the DNA2 protein (p.Arg798Cys). In summary, the available evidence is currently insufficient to determine the role of this variant in disease. Therefore, it has been classified as a Variant of Uncertain Significance.

NM_001080449.3(DNA2):c.2392C>T (p.Arg798Cys)

Gene: DNA2 (DNA replication helicase/nuclease 2; minus strand). Cytogenetic location: 10q21.3.
Variant type: single nucleotide variant.
Coding change: c.2392C>T on transcript NM_001080449.3 (MANE Select); coding-DNA position 2392, C replaced by T.
Protein change: p.Arg798Cys; replaces arginine 798 with cysteine.
Molecular consequence: missense variant. On other transcripts: non-coding transcript variant (1).
Genome position (GRCh38, 1-based): chr10:68,422,707, G>A on the plus strand (C>T on the coding strand, the complement: DNA2 is on the minus strand). VCF-style: chr10-68422707-G-A. GRCh37 (hg19) VCF-style: chr10-70182464-G-A.
Other names: short protein forms R798C.
Identifiers: ClinVar variation 1947998 (VCV001947998.5), dbSNP rs778664121, ClinGen allele CA5524834.